The following is an entry in ClinVar:

ClinVar aggregate classification (germline): Uncertain significance (1 of 4 stars; one submission).

Submission:

Labcorp Genetics (formerly Invitae), Labcorp
Classification: Uncertain significance. Last evaluated: 2024-03-30. Review status: criteria provided, single submitter. Criteria: Invitae Variant Classification Sherloc (09022015). Collection method: clinical testing. Allele origin: germline.
Comment: This sequence change replaces serine, which is neutral and polar, with asparagine, which is neutral and polar, at codon 251 of the AGAP1 protein (p.Ser251Asn). This variant is not present in population databases (gnomAD no frequency). This variant has not been reported in the literature in individuals affected with AGAP1-related conditions. An algorithm developed to predict the effect of missense changes on protein structure and function (PolyPhen-2) suggests that this variant is likely to be disruptive. In summary, the available evidence is currently insufficient to determine the role of this variant in disease. Therefore, it has been classified as a Variant of Uncertain Significance.

NM_001037131.3(AGAP1):c.752G>A (p.Ser251Asn)

Gene: AGAP1 (ArfGAP with GTPase domain, ankyrin repeat and PH domain 1; plus strand). Cytogenetic location: 2q37.2.
Variant type: single nucleotide variant.
Coding change: c.752G>A on transcript NM_001037131.3 (MANE Select); coding-DNA position 752, G replaced by A.
Protein change: p.Ser251Asn; replaces serine 251 with asparagine.
Molecular consequence: missense variant.
Genome position (GRCh38, 1-based): chr2:235,797,837, G>A. VCF-style: chr2-235797837-G-A. GRCh37 (hg19) VCF-style: chr2-236706481-G-A.
Other names: c.752G>A, p.Ser251Asn (NM_001244888.2, NM_014914.5); short protein forms S251N.
Identifiers: ClinVar variation 3647522 (VCV003647522.2).